The following is an entry in ClinVar:

NM_000051.4(ATM):c.5294A>T (p.Gln1765Leu)

Gene: ATM (ATM serine/threonine kinase; plus strand). Cytogenetic location: 11q22.3.
Variant type: single nucleotide variant.
Coding change: c.5294A>T on transcript NM_000051.4 (MANE Select); coding-DNA position 5294, A replaced by T.
Protein change: p.Gln1765Leu; replaces glutamine 1765 with leucine.
Molecular consequence: missense variant.
Genome position (GRCh38, 1-based): chr11:108,301,764, A>T. VCF-style: chr11-108301764-A-T. GRCh37 (hg19) VCF-style: chr11-108172491-A-T.
Other names: c.5294A>T, p.Gln1765Leu (NM_001351834.2); short protein forms Q1765L.
Identifiers: ClinVar variation 1746649 (VCV001746649.2), dbSNP rs35556390, ClinGen allele CA382542717.

ClinVar aggregate classification (germline): Uncertain significance (1 of 4 stars; one submission).

Conditions:
Hereditary cancer-predisposing syndrome. Also called: Hereditary Cancer Syndrome; Neoplastic Syndromes, Hereditary; Tumor predisposition; Hereditary neoplastic syndrome. Identifiers: Orphanet 140162, MedGen C0027672, MeSH D009386, MONDO:0015356.

Submission:

Ambry Genetics
Classification: Uncertain significance for Hereditary cancer-predisposing syndrome. Last evaluated: 2022-04-12. Review status: criteria provided, single submitter. Criteria: Ambry Variant Classification Scheme 2023. Collection method: clinical testing. Allele origin: germline.
Comment: The p.Q1765L variant (also known as c.5294A>T), located in coding exon 34 of the ATM gene, results from an A to T substitution at nucleotide position 5294. The glutamine at codon 1765 is replaced by leucine, an amino acid with dissimilar properties. This amino acid position is conserved. In addition, this alteration is predicted to be tolerated by in silico analysis. Since supporting evidence is limited at this time, the clinical significance of this alteration remains unclear.